The following is an entry in ClinVar:

ClinVar aggregate classification (germline): Uncertain significance. Review status: criteria provided, multiple submitters, no conflicts (2 of 4 stars). 2 submissions from 2 submitters: Uncertain significance (2). Last evaluated 2026-02-28.

Conditions:
Renal cysts and diabetes syndrome (RCAD). Also called: Familial hypoplastic, glomerulocystic kidney; MATURITY-ONSET DIABETES OF THE YOUNG, TYPE 5. Identifiers: Orphanet 93111, MedGen C0431693, MONDO:0007669, OMIM 137920.

gnomAD v4.1: 1 of 1,613,786 alleles (0.000062%); highest among the groups gnomAD compares: Non-Finnish European, 0.000085%; no homozygotes.

Submissions (2):

GeneDx
Classification: Uncertain significance. Last evaluated: 2026-02-28. Review status: criteria provided, single submitter. Criteria: GeneDx Variant Classification Process June 2021. Collection method: clinical testing. Allele origin: germline.
Comment: Not observed at significant frequency in large population cohorts (gnomAD); In silico analysis supports that this missense variant has a deleterious effect on protein structure/function; Has not been previously published as pathogenic or benign to our knowledge

MVZ Medizinische Genetik Mainz
Classification: Uncertain significance for Renal cysts and diabetes syndrome. Last evaluated: 2024-01-08. Review status: criteria provided, single submitter. Criteria: UK Practice Guidelines For Variant Classification V4 01 2020. Collection method: clinical testing. Allele origin: germline. Inheritance: Autosomal dominant inheritance. Affected: yes. Observed: 1 variant allele.
Comment: ACMG Criteria: PM2_SUP,PM5_SUP,PP4

NM_000458.4(HNF1B):c.1100G>C (p.Ser367Thr)

Gene: HNF1B (HNF1 homeobox B; minus strand). Cytogenetic location: 17q12.
Variant type: single nucleotide variant.
Coding change: c.1100G>C on transcript NM_000458.4 (MANE Select); coding-DNA position 1100, G replaced by C.
Protein change: p.Ser367Thr; replaces serine 367 with threonine.
Molecular consequence: missense variant.
Genome position (GRCh38, 1-based): chr17:37,710,609, C>G on the plus strand (G>C on the coding strand, the complement: HNF1B is on the minus strand). VCF-style: chr17-37710609-C-G. GRCh37 (hg19) VCF-style: chr17-36070617-C-G.
Other names: c.1100G>C (NM_000458.2); c.1022G>C, p.Ser341Thr (NM_001165923.4, NM_001304286.2); c.1100G>C, p.Ser367Thr (NM_001411100.1); short protein forms S341T, S367T.
Identifiers: ClinVar variation 3234035 (VCV003234035.2), dbSNP rs2511723949, ClinGen allele CA398759682.
Genomic context (GRCh38, chr17:37,710,609, plus strand): 5'-GCTGGGGAGACTTGCTGTAAAACCGACTGGCTGGTCACCATGGCGCTGTTGCCATGGTGA[C>G]TGATTGTTGAGGAGGAAGTGATCTCATTGTTTCCCTGCTGGCTGTAGCGCACTCCTGCAA-3'
Protein context (NP_000449.1, residues 357-377): NNEITSSSTI[Ser367Thr]HHGNSAMVTS